The following is an entry in ClinVar:

ClinVar aggregate classification (germline): Pathogenic (1 of 4 stars; one submission).

Submission:

Labcorp Genetics (formerly Invitae), Labcorp
Classification: Pathogenic. Last evaluated: 2023-05-12. Review status: criteria provided, single submitter. Criteria: Invitae Variant Classification Sherloc (09022015). Collection method: clinical testing. Allele origin: germline.
Comment: For these reasons, this variant has been classified as Pathogenic. This variant has not been reported in the literature in individuals affected with SNAP29-related conditions. This variant is not present in population databases (gnomAD no frequency). This sequence change creates a premature translational stop signal (p.Arg83Serfs*28) in the SNAP29 gene. It is expected to result in an absent or disrupted protein product. Loss-of-function variants in SNAP29 are known to be pathogenic (PMID: 15968592, 21073448).

Literature cited by the submitters: PubMed 15968592; PubMed 21073448.

NM_004782.4(SNAP29):c.247_248del (p.Arg83fs)

Gene: SNAP29 (synaptosome associated protein 29; plus strand). Cytogenetic location: 22q11.21.
Variant type: Deletion.
Coding change: c.247_248del on transcript NM_004782.4 (MANE Select); coding-DNA positions 247 to 248, 2 bases deleted (CG; older notation c.247_248delCG).
Protein change: p.Arg83fs; shifts the reading frame from arginine 83.
Molecular consequence: frameshift variant.
Genome position (GRCh38, 1-based): chr22:20,870,346-20,870,347, CG deleted. VCF-style (leftmost placement, unchanged base first): chr22-20870345-CCG-C. GRCh37 (hg19) VCF-style: chr22-21224633-CCG-C.
Other names: short protein forms R83fs.
Identifiers: ClinVar variation 2863631 (VCV002863631.3), dbSNP rs2518511737, ClinGen allele CA2739267802.
Genomic context (GRCh38, chr22:20,870,345, plus strand): 5'-CTGGGGGAGAGTCACAGAAAGCTATAATGCCACTGCCTCTCGGTTTCCCCAGGAGCTCGC[CCG>C]TCAGCGAGGAGTCCTGGAGCGCACAGAGAAGATGGTGGACAAGATGGACCAAGATTTGAA-3'